The following is an entry in ClinVar:

NM_001267550.2(TTN):c.65915G>A (p.Arg21972His)

Genes: TTN (titin; minus strand), TTN-AS1 (TTN antisense RNA 1; plus strand). Cytogenetic location: 2q31.2.
Variant type: single nucleotide variant.
Coding change: c.65915G>A on transcript NM_001267550.2 (MANE Select); coding-DNA position 65915, G replaced by A.
Protein change: p.Arg21972His; replaces arginine 21972 with histidine.
Molecular consequence: missense variant.
Genome position (GRCh38, 1-based): chr2:178,582,541, C>T on the plus strand (G>A on the coding strand, the complement: TTN is on the minus strand). VCF-style: chr2-178582541-C-T. GRCh37 (hg19) VCF-style: chr2-179447268-C-T.
Other names: p.Arg19404His; c.60992G>A, p.Arg20331His (NM_001256850.1); c.38720G>A, p.Arg12907His (NM_003319.4); c.58211G>A, p.Arg19404His (NM_133378.4); c.39095G>A, p.Arg13032His (NM_133432.3); c.39296G>A, p.Arg13099His (NM_133437.4); short protein forms R12907H, R21972H, R19404H, R13099H, R20331H, R13032H.
Identifiers: ClinVar variation 264599 (VCV000264599.24), dbSNP rs200217934, ClinGen allele CA1991613.

ClinVar aggregate classification (germline): Uncertain significance. Review status: criteria provided, multiple submitters, no conflicts (2 of 4 stars). 9 submissions from 9 submitters: Uncertain significance (9). Last evaluated 2026-04-11.

Conditions:
TTN-related disorder. Also called: TTN-related condition; TTN-related disease; TTN-related disorders.
Cardiovascular phenotype. Identifiers: MedGen CN230736.
Autosomal recessive limb-girdle muscular dystrophy type 2J (LGMDR10). Also called: MUSCULAR DYSTROPHY, LIMB-GIRDLE, AUTOSOMAL RECESSIVE 10; Limb-girdle muscular dystrophy, type 2J. Identifiers: Orphanet 140922, MedGen C1837342, MONDO:0012127, OMIM 608807.
Dilated cardiomyopathy 1G (CMD1G). Identifiers: Orphanet 154, MedGen C1858763, MONDO:0011400, OMIM 604145.

Allele frequency attached by ClinVar (database versions not stated): gnomAD 0.00005 and 0.00006; TOPMed 0.00006; gnomAD exomes 0.00007 and 0.00009; ExAC 0.00009; ESP Exome Variant Server 0.00017.
gnomAD v4.1: 142 of 1,612,496 alleles (0.0088%); highest among the groups gnomAD compares: Non-Finnish European, 0.011%; no homozygotes.

Submissions (9):

PreventionGenetics, part of Exact Sciences
Classification: Uncertain significance for TTN-related condition. Last evaluated: 2026-04-11. Review status: criteria provided, single submitter. Criteria: ACMG Guidelines, 2015. Collection method: clinical testing. Allele origin: germline.
Comment: The TTN c.65915G>A variant is predicted to result in the amino acid substitution p.Arg21972His. To our knowledge, this variant has not been reported in the literature. This variant is reported in 0.012% of alleles in individuals of European (Non-Finnish) descent in gnomAD. Although we suspect that this variant may be benign, at this time, the clinical significance of this variant is uncertain due to the absence of conclusive functional and genetic evidence.

Blueprint Genetics
Classification: Uncertain significance. Last evaluated: 2024-11-12. Review status: criteria provided, single submitter. Criteria: ACMG Guidelines, 2015. Collection method: clinical testing. Allele origin: germline.

Women's Health and Genetics/Laboratory Corporation of America, LabCorp
Classification: Uncertain significance. Last evaluated: 2024-06-19. Review status: criteria provided, single submitter. Criteria: LabCorp Variant Classification Summary - May 2015. Collection method: clinical testing. Allele origin: germline.
Comment: Variant summary: TTN c.58211G>A (p.Arg19404His) results in a non-conservative amino acid change located in the A-band region of the encoded protein sequence. Two of four in-silico tools predict a benign effect of the variant on protein function. The variant allele was found at a frequency of 7.3e-05 in 247646 control chromosomes (gnomAD). This frequency is not significantly higher than estimated for a pathogenic variant in TTN causing Dilated Cardiomyopathy (0.00039), allowing no conclusion about variant significance. To our knowledge, no occurrence of c.58211G>A in individuals affected with Dilated Cardiomyopathy and no experimental evidence demonstrating its impact on protein function have been reported. ClinVar contains an entry for this variant (Variation ID: 264599). Based on the evidence outlined above, the variant was classified as uncertain significance.

Revvity Omics, Revvity
Classification: Uncertain significance. Last evaluated: 2023-10-17. Review status: criteria provided, single submitter. Criteria: ACMG Guidelines, 2015. Collection method: clinical testing. Allele origin: germline.

Mayo Clinic Laboratories, Mayo Clinic
Classification: Uncertain significance. Last evaluated: 2022-03-17. Review status: criteria provided, single submitter. Criteria: ACMG Guidelines, 2015. Collection method: clinical testing. Allele origin: germline. Observed: 1 variant allele.
Comment: BP4, PM2

ARUP Laboratories, Molecular Genetics and Genomics, ARUP Laboratories
Classification: Uncertain significance. Last evaluated: 2020-02-16. Review status: criteria provided, single submitter. Criteria: ARUP Molecular Germline Variant Investigation Process. Collection method: clinical testing. Allele origin: germline.
Comment: The TTN c.65915G>A; p.Arg21972His variant (rs200217934; ClinVar Variation ID: 264599) is rare in the general population (<1% allele frequency in the Genome Aggregation Database) and has not been reported in the medical literature in association with dilated cardiomyopathy (DCM) or other TTN-related disease. The clinical relevance of rare missense variants in this gene, which are identified on average once per individual sequenced in affected populations (Herman 2012), is not well understood. Yet, evidence suggests that the vast majority of such missense variants do not contribute to the clinical outcome of DCM (Begay 2015). Thus, the clinical significance of the p.Arg21972His variant cannot be determined with certainty. References: Begay RL et al. Role of Titin Missense Variants in Dilated Cardiomyopathy. J Am Heart Assoc. 2015 Nov 13;4(11). Herman DS et al. Truncations of titin causing dilated cardiomyopathy. N Engl J Med. 2012 Feb 16;366(7):619-28.

Labcorp Genetics (formerly Invitae), Labcorp
Classification: Uncertain significance for Dilated cardiomyopathy 1G; Autosomal recessive limb-girdle muscular dystrophy type 2J. Last evaluated: 2017-08-24. Review status: criteria provided, single submitter. Criteria: Invitae Variant Classification Sherloc (09022015). Collection method: clinical testing. Allele origin: germline.

Eurofins Ntd Llc (ga)
Classification: Uncertain significance. Last evaluated: 2017-03-07. Review status: criteria provided, single submitter. Criteria: EGL Classification Definitions 2015. Collection method: clinical testing. Allele origin: germline. Observed: 2 variant alleles, 2 heterozygotes.

Ambry Genetics
Classification: Uncertain significance for Cardiovascular phenotype. Last evaluated: 2015-12-14. Review status: criteria provided, single submitter. Criteria: Ambry Variant Classification Scheme 2023. Collection method: clinical testing. Allele origin: germline.
Comment: The p.R12907H variant (also known as c.38720G>A), located in coding exon 141 of the TTN gene, results from a G to A substitution at nucleotide position 38720. The arginine at codon 12907 is replaced by histidine, an amino acid with highly similar properties. This variant was previously reported in the SNPDatabase as rs200217934. Based on data from the NHLBI Exome Sequencing Project (ESP), the A allele has an overall frequency of approximately 0.02% (2/11944) total alleles studied and 0.02% (2/8216) European American alleles. Based on data from ExAC, the A allele was reported in 11 of 119438 (0.009%) total alleles (Exome Aggregation Consortium (ExAC), Cambridge, MA (URL) [Accessed December 7, 2015]). This amino acid position is well conserved in available vertebrate species; however, histidine is the reference amino acid in one species. In addition, this alteration is predicted to be tolerated by in silico analysis. Since supporting evidence is limited at this time, the clinical significance of this variant remains unclear.